The following is an entry in ClinVar:

NM_000179.3(MSH6):c.3812T>C (p.Val1271Ala)

Gene: MSH6 (mutS homolog 6; plus strand). Cytogenetic location: 2p16.3.
Variant type: single nucleotide variant.
Coding change: c.3812T>C on transcript NM_000179.3 (MANE Select); coding-DNA position 3812, T replaced by C.
Protein change: p.Val1271Ala; replaces valine 1271 with alanine.
Molecular consequence: missense variant.
Genome position (GRCh38, 1-based): chr2:47,806,462, T>C. VCF-style: chr2-47806462-T-C. GRCh37 (hg19) VCF-style: chr2-48033601-T-C.
Other names: c.3422T>C, p.Val1141Ala (NM_001281492.2); c.2906T>C, p.Val969Ala (NM_001281493.2, NM_001281494.2); short protein forms V1271A, V1141A, V969A.
Identifiers: ClinVar variation 479918 (VCV000479918.17), dbSNP rs1553333303, ClinGen allele CA346761231.

ClinVar aggregate classification (germline): Uncertain significance. Review status: criteria provided, multiple submitters, no conflicts (2 of 4 stars). 3 submissions from 3 submitters: Uncertain significance (3). Last evaluated 2025-06-19.

Conditions:
Endometrial carcinoma. Also called: Endometrial carcinoma, somatic. Identifiers: MedGen C0476089, MONDO:0002447, OMIM 608089, HP:0012114.
Hereditary cancer-predisposing syndrome. Also called: Hereditary Cancer Syndrome; Neoplastic Syndromes, Hereditary; Tumor predisposition; Hereditary neoplastic syndrome. Identifiers: Orphanet 140162, MedGen C0027672, MeSH D009386, MONDO:0015356.
Hereditary nonpolyposis colorectal neoplasms. Identifiers: MedGen C0009405, MeSH D003123.

Allele frequency attached by ClinVar (database versions not stated): gnomAD exomes below 0.00001.
gnomAD v4.1: 2 of 1,614,034 alleles (0.00012%); highest among the groups gnomAD compares: Non-Finnish European, 0.00017%; no homozygotes.

Submissions (3):

Ambry Genetics
Classification: Uncertain significance for Hereditary cancer-predisposing syndrome. Last evaluated: 2025-06-19. Review status: criteria provided, single submitter. Criteria: Ambry Variant Classification Scheme 2023. Collection method: clinical testing. Allele origin: germline.
Comment: The p.V1271A variant (also known as c.3812T>C), located in coding exon 9 of the MSH6 gene, results from a T to C substitution at nucleotide position 3812. The valine at codon 1271 is replaced by alanine, an amino acid with similar properties. This amino acid position is highly conserved in available vertebrate species. In addition, this alteration is predicted to be deleterious by in silico analysis. Since supporting evidence is limited at this time, the clinical significance of this alteration remains unclear.

Labcorp Genetics (formerly Invitae), Labcorp
Classification: Uncertain significance for Hereditary nonpolyposis colorectal neoplasms. Last evaluated: 2025-05-06. Review status: criteria provided, single submitter. Criteria: Invitae Variant Classification Sherloc (09022015). Collection method: clinical testing. Allele origin: germline.
Comment: This sequence change replaces valine, which is neutral and non-polar, with alanine, which is neutral and non-polar, at codon 1271 of the MSH6 protein (p.Val1271Ala). This variant is not present in population databases (gnomAD no frequency). This variant has not been reported in the literature in individuals affected with MSH6-related conditions. ClinVar contains an entry for this variant (Variation ID: 479918). Invitae Evidence Modeling of protein sequence and biophysical properties (such as structural, functional, and spatial information, amino acid conservation, physicochemical variation, residue mobility, and thermodynamic stability) has been performed for this missense variant. However, the output from this modeling did not meet the statistical confidence thresholds required to predict the impact of this variant on MSH6 protein function. In summary, the available evidence is currently insufficient to determine the role of this variant in disease. Therefore, it has been classified as a Variant of Uncertain Significance.

Baylor Genetics
Classification: Uncertain significance for Endometrial carcinoma. Last evaluated: 2023-08-14. Review status: criteria provided, single submitter. Criteria: ACMG Guidelines, 2015. Collection method: clinical testing. Allele origin: unknown.